The following is an entry in ClinVar:

ClinVar aggregate classification (germline): Uncertain significance (1 of 4 stars; one submission).

Conditions:
Polycystic kidney disease 3 with or without polycystic liver disease. Also called: Polycystic kidney disease 3; POLYCYSTIC KIDNEY DISEASE, ADULT, TYPE III; Polycystic Kidney and/or Polycystic Liver Disease 3. Identifiers: MedGen C3887964, MONDO:0010916, OMIM 600666.

Submission:

Juno Genomics, Hangzhou Juno Genomics, Inc
Classification: Uncertain significance for Polycystic kidney disease 3 with or without polycystic liver disease. Review status: criteria provided, single submitter. Criteria: ACMG Guidelines, 2015. Collection method: clinical testing. Allele origin: germline.
Comment: Absent from controls (or at extremely low frequency if recessive) in Genome Aggregation Database.;Missense variant in a gene that has a low rate of benign missense variation.

NM_198334.3(GANAB):c.565G>C (p.Gly189Arg)

Gene: GANAB (glucosidase II alpha subunit; minus strand). Cytogenetic location: 11q12.3.
Variant type: single nucleotide variant.
Coding change: c.565G>C on transcript NM_198334.3 (MANE Select); coding-DNA position 565, G replaced by C.
Protein change: p.Gly189Arg; replaces glycine 189 with arginine.
Molecular consequence: missense variant. On other transcripts: 5 prime UTR variant (2).
Genome position (GRCh38, 1-based): chr11:62,633,510, C>G on the plus strand (G>C on the coding strand, the complement: GANAB is on the minus strand). VCF-style: chr11-62633510-C-G. GRCh37 (hg19) VCF-style: chr11-62400982-C-G.
Other names: c.631G>C, p.Gly211Arg (NM_198335.4); c.289G>C, p.Gly97Arg (NM_001278192.2); c.223G>C, p.Gly75Arg (NM_001278193.2); c.274G>C, p.Gly92Arg (NM_001278194.2, NM_001329222.2, NM_001329223.2); c.-159G>C (NM_001329224.2, NM_001329225.2); short protein forms G189R, G211R, G75R, G92R, G97R.
Identifiers: ClinVar variation 5019202 (VCV005019202.2).